The following is an entry in ClinVar:

NM_007294.4(BRCA1):c.454C>G (p.Leu152Val)

Gene: BRCA1 (BRCA1 DNA repair associated; minus strand). Cytogenetic location: 17q21.31.
Variant type: single nucleotide variant.
Coding change: c.454C>G on transcript NM_007294.4 (MANE Select); coding-DNA position 454, C replaced by G.
Protein change: p.Leu152Val; replaces leucine 152 with valine.
Molecular consequence: missense variant. On other transcripts: intron variant (2).
Genome position (GRCh38, 1-based): chr17:43,099,868, G>C on the plus strand (C>G on the coding strand, the complement: BRCA1 is on the minus strand). VCF-style: chr17-43099868-G-C. GRCh37 (hg19) VCF-style: chr17-41251885-G-C.
Other names: c.454C>G, p.Leu152Val (NM_001407618.1, NM_001407619.1, NM_001407621.1 and 96 more transcripts); c.451C>G, p.Leu151Val (NM_001407627.1, NM_001407628.1, NM_001407629.1 and 65 more transcripts); c.445C>G, p.Leu149Val (NM_001407646.1, NM_001407647.1, NM_001408408.1); c.319C>G, p.Leu107Val (NM_001408451.1); c.313C>G, p.Leu105Val (NM_001408452.1, NM_001408453.1, NM_001408454.1 and 61 more transcripts); c.310C>G, p.Leu104Val (NM_001408462.1, NM_001408463.1, NM_001408464.1 and 35 more transcripts); c.376C>G, p.Leu126Val (NM_001408474.1, NM_001408476.1, NM_001408409.1 and 12 more transcripts); c.373C>G, p.Leu125Val (NM_001408475.1, NM_001408413.1, NM_001408416.1 and 6 more transcripts); and 5 more; short protein forms L104V, L105V, L107V, L125V, L126V, L149V, L151V, L152V.
Identifiers: ClinVar variation 4800868 (VCV004800868.1).
Genomic context (GRCh38, chr17:43,099,868, plus strand): 5'-GTATCCGCTGCTTTGTCCTCAGAGTTCTCACAGTTCCAAGGTTAGAGAGTTGGACACTGA[G>C]ACTGGTTTCCTGCTAAACAGTATGGTAAAGAACAGTCAAGCAATTGTTGGCCAGTTCTGT-3'
Protein context (NP_009225.1, residues 142-162): PENPSLQETS[Leu152Val]SVQLSNLGTV

ClinVar aggregate classification (germline): Uncertain significance (1 of 4 stars; one submission).

Conditions:
Hereditary breast ovarian cancer syndrome. Also called: Hereditary breast and ovarian cancer syndrome (HBOC); Hereditary breast and ovarian cancer; Breast and ovarian cancer; Hereditary breast and/or ovarian cancer syndrome; BRCA1- and BRCA2-Associated Hereditary Breast and Ovarian Cancer; Hereditary breast and ovarian cancer syndrome. Identifiers: Orphanet 145, MedGen C0677776, MeSH D061325, MONDO:0003582. Disease mechanism: loss of function.

gnomAD v4.1: 1 of 1,612,718 alleles (0.000062%); no homozygotes.

Submission:

Labcorp Genetics (formerly Invitae), Labcorp
Classification: Uncertain significance for Hereditary breast ovarian cancer syndrome. Last evaluated: 2025-08-24. Review status: criteria provided, single submitter. Criteria: Invitae Variant Classification Sherloc (09022015). Collection method: clinical testing. Allele origin: germline.
Comment: This sequence change replaces leucine, which is neutral and non-polar, with valine, which is neutral and non-polar, at codon 152 of the BRCA1 protein (p.Leu152Val). This variant is not present in population databases (gnomAD no frequency). This variant has not been reported in the literature in individuals affected with BRCA1-related conditions. Invitae Evidence Modeling of protein sequence and biophysical properties (such as structural, functional, and spatial information, amino acid conservation, physicochemical variation, residue mobility, and thermodynamic stability) indicates that this missense variant is not expected to disrupt BRCA1 protein function with a negative predictive value of 80%. In summary, the available evidence is currently insufficient to determine the role of this variant in disease. Therefore, it has been classified as a Variant of Uncertain Significance.